The following is an entry in ClinVar:

NM_000218.3(KCNQ1):c.1919A>T (p.Gln640Leu)

Genes: KCNQ1 (potassium voltage-gated channel subfamily Q member 1; plus strand), KCNQ1-AS1 (KCNQ1 antisense RNA 1; minus strand). Cytogenetic location: 11p15.4.
Variant type: single nucleotide variant.
Coding change: c.1919A>T on transcript NM_000218.3 (MANE Select); coding-DNA position 1919, A replaced by T.
Protein change: p.Gln640Leu; replaces glutamine 640 with leucine.
Molecular consequence: missense variant.
Genome position (GRCh38, 1-based): chr11:2,847,891, A>T. VCF-style: chr11-2847891-A-T. GRCh37 (hg19) VCF-style: chr11-2869121-A-T.
Other names: c.1823A>T, p.Gln608Leu (NM_001406836.1); c.1649A>T, p.Gln550Leu (NM_001406837.1); c.1379A>T, p.Gln460Leu (NM_001406838.1); c.431A>T, p.Gln144Leu (NM_001406839.1); c.1538A>T, p.Gln513Leu (NM_181798.2); short protein forms Q513L, Q640L, Q550L, Q144L, Q460L, Q608L.
Identifiers: ClinVar variation 926411 (VCV000926411.6), dbSNP rs1246665674, ClinGen allele CA379140431.

ClinVar aggregate classification (germline): Uncertain significance (1 of 4 stars; one submission).

Conditions:
Cardiac arrhythmia. Also called: Cardiac rhythm disease; Arrhythmia. Identifiers: MedGen C0003811, MONDO:0007263, HP:0011675.

Allele frequency attached by ClinVar (database versions not stated): gnomAD 0.00001.
gnomAD v4.1: 1 of 1,583,380 alleles (0.000063%); highest among the groups gnomAD compares: East Asian, 0.0023%; no homozygotes.

Submission:

Color Diagnostics, LLC DBA Color Health
Classification: Uncertain significance for Cardiac arrhythmia. Last evaluated: 2018-12-11. Review status: criteria provided, single submitter. Criteria: ACMG Guidelines, 2015. Collection method: clinical testing. Allele origin: germline.
Comment: Variant of Uncertain Significance due to insufficient evidence: This missense variant replaces glutamine with leucine at codon 640 of the KCNQ1 protein. Computational prediction tools and conservation analyses are inconclusive regarding the impact of this variant on the protein function. Computational splicing tools suggest that this variant may not impact RNA splicing. To our knowledge, functional assays have not been performed for this variant nor has this variant been reported in individuals affected with cardiovascular disorders in the literature. This variant has been identified in 1/30858 chromosomes in the general population by the Genome Aggregation Database (gnomAD). Available evidence is insufficient to determine the pathogenicity of this variant conclusively.